The following is an entry in ClinVar:

NM_031263.4(HNRNPK):c.1183C>T (p.Pro395Ser)

Gene: HNRNPK (heterogeneous nuclear ribonucleoprotein K; minus strand). Cytogenetic location: 9q21.32.
Variant type: single nucleotide variant.
Coding change: c.1183C>T on transcript NM_031263.4 (MANE Select); coding-DNA position 1183, C replaced by T.
Protein change: p.Pro395Ser; replaces proline 395 with serine.
Molecular consequence: missense variant.
Genome position (GRCh38, 1-based): chr9:83,970,745, G>A on the plus strand (C>T on the coding strand, the complement: HNRNPK is on the minus strand). VCF-style: chr9-83970745-G-A. GRCh37 (hg19) VCF-style: chr9-86585660-G-A.
Other names: c.1111C>T, p.Pro371Ser (NM_001318186.2, NM_001318187.2); c.1183C>T, p.Pro395Ser (NM_001318188.2, NM_002140.5, NM_031262.4); short protein forms P371S, P395S.
Identifiers: ClinVar variation 1342637 (VCV001342637.1), dbSNP rs771289643, ClinGen allele CA5103910.

ClinVar aggregate classification (germline): Uncertain significance (1 of 4 stars; one submission).

Conditions:
Au-Kline syndrome. Also called: Neurodevelopmental disorder-craniofacial dysmorphism-cardiac defect-hip dysplasia syndrome due to a point mutation; Okamoto syndrome. Identifiers: Orphanet 2729, Orphanet 453499, Orphanet 453504, MedGen C4225274, MONDO:0014700, OMIM 616580.

Allele frequency attached by ClinVar (database versions not stated): gnomAD exomes below 0.00001; TOPMed below 0.00001; ExAC 0.00001.
gnomAD v4.1: 1 of 1,565,294 alleles (0.000064%); highest among the groups gnomAD compares: Non-Finnish European, 0.000088%; no homozygotes.

Submission:

New York Genome Center
Classification: Uncertain significance for Au-Kline syndrome. Last evaluated: 2021-05-03. Review status: criteria provided, single submitter. Criteria: NYGC Assertion Criteria 2020. Collection method: clinical testing. Allele origin: de novo. Observed: 1 heterozygote. Study: CSER-NYCKidSeq.
Comment: The de novo c.1183C>T (p.Pro395Ser) variant in exon 15 of 17 in the KH_1 conserved domain of HNRNPK has not been reported in the available literature. This variant is present in gnomADv3 at a very low frequency (1/250462 heterozygote, allele frequency = 0.000003993) suggesting it is not a common benign variant in the populations represented in this database. In silico predictors suggest this variant is damaging (SIFT; score: 0, Provean, score: -6.47) and benign (REVEL; score: 0.4399). Given the lack of genetic evidence, functional studies and conflictingin silico predictions, the c.1183C>T (p.Pro395Ser) de novo variant identified in the HNRNPK gene is classified as a variant of uncertain significance.